The following is an entry in ClinVar:

NM_001330260.2(SCN8A):c.5025T>A (p.Tyr1675Ter)

Gene: SCN8A (sodium voltage-gated channel alpha subunit 8; plus strand). Cytogenetic location: 12q13.13.
Variant type: single nucleotide variant.
Coding change: c.5025T>A on transcript NM_001330260.2 (MANE Select); coding-DNA position 5025, T replaced by A.
Protein change: p.Tyr1675Ter; replaces tyrosine 1675 with a stop codon.
Molecular consequence: nonsense.
Genome position (GRCh38, 1-based): chr12:51,806,511, T>A. VCF-style: chr12-51806511-T-A. GRCh37 (hg19) VCF-style: chr12-52200295-T-A.
Other names: c.4902T>A, p.Tyr1634Ter (NM_001177984.3, NM_001369788.1); c.5025T>A, p.Tyr1675Ter (NM_014191.4); short protein forms Y1634*, Y1675*.
Identifiers: ClinVar variation 2705903 (VCV002705903.3), dbSNP rs1395464489, ClinGen allele CA384882507.

ClinVar aggregate classification (germline): Uncertain significance (1 of 4 stars; one submission).

Conditions:
Early-infantile DEE. Also called: Ohtahara syndrome; Early infantile epileptic encephalopathy with suppression bursts; Early infantile epileptic encephalopathy. Identifiers: Orphanet 1934, MedGen C0393706, MONDO:0800491.

Submission:

Labcorp Genetics (formerly Invitae), Labcorp
Classification: Uncertain significance for Early-infantile DEE. Last evaluated: 2023-12-27. Review status: criteria provided, single submitter. Criteria: Invitae Variant Classification Sherloc (09022015). Collection method: clinical testing. Allele origin: germline.
Comment: This sequence change creates a premature translational stop signal (p.Tyr1675*) in the SCN8A gene. While this is not anticipated to result in nonsense mediated decay, it is expected to disrupt the last 306 amino acid(s) of the SCN8A protein. This variant is not present in population databases (gnomAD no frequency). This variant has not been reported in the literature in individuals affected with SCN8A-related conditions. In summary, the available evidence is currently insufficient to determine the role of this variant in disease. Therefore, it has been classified as a Variant of Uncertain Significance.